The following is an entry in ClinVar:

ClinVar aggregate classification (germline): Uncertain significance (1 of 4 stars; one submission).

Conditions:
Autosomal dominant Parkinson disease 8. Also called: Parkinson disease 8, susceptibility to; LRRK2-Related Parkinson Disease; Parkinson disease 8. Identifiers: Orphanet 411602, MedGen C1846862, MONDO:0011764, OMIM 607060.

Allele frequency attached by ClinVar (database versions not stated): gnomAD exomes below 0.00001.
gnomAD v4.1: 4 of 1,613,238 alleles (0.00025%); highest among the groups gnomAD compares: Non-Finnish European, 0.00034%; no homozygotes.

Submission:

Labcorp Genetics (formerly Invitae), Labcorp
Classification: Uncertain significance for Autosomal dominant Parkinson disease 8. Last evaluated: 2023-02-03. Review status: criteria provided, single submitter. Criteria: Invitae Variant Classification Sherloc (09022015). Collection method: clinical testing. Allele origin: germline.
Comment: In summary, the available evidence is currently insufficient to determine the role of this variant in disease. Therefore, it has been classified as a Variant of Uncertain Significance. Advanced modeling of protein sequence and biophysical properties (such as structural, functional, and spatial information, amino acid conservation, physicochemical variation, residue mobility, and thermodynamic stability) has been performed at Invitae for this missense variant, however the output from this modeling did not meet the statistical confidence thresholds required to predict the impact of this variant on LRRK2 protein function. This variant has not been reported in the literature in individuals affected with LRRK2-related conditions. This variant is not present in population databases (gnomAD no frequency). This sequence change replaces leucine, which is neutral and non-polar, with valine, which is neutral and non-polar, at codon 403 of the LRRK2 protein (p.Leu403Val).

NM_198578.4(LRRK2):c.1207C>G (p.Leu403Val)

Gene: LRRK2 (leucine rich repeat kinase 2; plus strand). Cytogenetic location: 12q12.
Variant type: single nucleotide variant.
Coding change: c.1207C>G on transcript NM_198578.4 (MANE Select); coding-DNA position 1207, C replaced by G.
Protein change: p.Leu403Val; replaces leucine 403 with valine.
Molecular consequence: missense variant.
Genome position (GRCh38, 1-based): chr12:40,252,935, C>G. VCF-style: chr12-40252935-C-G. GRCh37 (hg19) VCF-style: chr12-40646737-C-G.
Other names: short protein forms L403V.
Identifiers: ClinVar variation 2873954 (VCV002873954.3), dbSNP rs2499514604, ClinGen allele CA384409259.